The following is an entry in ClinVar:

ClinVar aggregate classification (germline): Uncertain significance (1 of 4 stars; one submission).

Conditions:
X-linked intellectual disability Cabezas type (MRXSC). Also called: CABEZAS SYNDROME; MENTAL RETARDATION, X-LINKED, SYNDROMIC 15; Intellectual developmental disorder, X-linked syndromic, Cabezas type. Identifiers: Orphanet 85289, Orphanet 85293, MedGen C1845861, MONDO:0010306, OMIM 300354.

Submission:

Institute of Human Genetics, University of Leipzig Medical Center
Classification: Uncertain significance for X-linked intellectual disability Cabezas type. Last evaluated: 2024-11-21. Review status: criteria provided, single submitter. Criteria: ACMG Guidelines, 2015. Collection method: clinical testing. Allele origin: unknown. Inheritance: X-linked recessive inheritance. Affected: yes.
Comment: Criteria applied: PM2,PP3

NM_001079872.2(CUL4B):c.1292T>C (p.Leu431Pro)

Gene: CUL4B (cullin 4B; minus strand). Cytogenetic location: Xq24.
Variant type: single nucleotide variant.
Coding change: c.1292T>C on transcript NM_001079872.2 (MANE Select); coding-DNA position 1292, T replaced by C.
Protein change: p.Leu431Pro; replaces leucine 431 with proline.
Molecular consequence: missense variant.
Genome position (GRCh38, 1-based): chrX:120,542,998, A>G on the plus strand (T>C on the coding strand, the complement: CUL4B is on the minus strand). VCF-style: chrX-120542998-A-G. GRCh37 (hg19) VCF-style: chrX-119676853-A-G.
Other names: c.1307T>C, p.Leu436Pro (NM_001330624.2); c.758T>C, p.Leu253Pro (NM_001369145.1); c.1346T>C, p.Leu449Pro (NM_003588.4); short protein forms L253P, L431P, L436P, L449P.
Identifiers: ClinVar variation 3385382 (VCV003385382.2).